The following is an entry in ClinVar:

NM_003482.4(KMT2D):c.14457C>G (p.Phe4819Leu)

Gene: KMT2D (lysine methyltransferase 2D; minus strand). Cytogenetic location: 12q13.12.
Variant type: single nucleotide variant.
Coding change: c.14457C>G on transcript NM_003482.4 (MANE Select); coding-DNA position 14457, C replaced by G.
Protein change: p.Phe4819Leu; replaces phenylalanine 4819 with leucine.
Molecular consequence: missense variant.
Genome position (GRCh38, 1-based): chr12:49,028,067, G>C on the plus strand (C>G on the coding strand, the complement: KMT2D is on the minus strand). VCF-style: chr12-49028067-G-C. GRCh37 (hg19) VCF-style: chr12-49421850-G-C.
Other names: short protein forms F4819L.
Identifiers: ClinVar variation 1423760 (VCV001423760.8), dbSNP rs1280697331, ClinGen allele CA384695135.

ClinVar aggregate classification (germline): Uncertain significance (1 of 4 stars; one submission).

Conditions:
Kabuki syndrome. Also called: Kabuki make-up syndrome; NIIKAWA-KUROKI SYNDROME. Identifiers: Orphanet 2322, MedGen C0796004, MONDO:0016512.

gnomAD v4.1: 1 of 1,613,964 alleles (0.000062%); highest among the groups gnomAD compares: Non-Finnish European, 0.000085%; no homozygotes.

Submission:

Labcorp Genetics (formerly Invitae), Labcorp
Classification: Uncertain significance for Kabuki syndrome. Last evaluated: 2023-09-26. Review status: criteria provided, single submitter. Criteria: Invitae Variant Classification Sherloc (09022015). Collection method: clinical testing. Allele origin: germline.
Comment: This sequence change replaces phenylalanine, which is neutral and non-polar, with leucine, which is neutral and non-polar, at codon 4819 of the KMT2D protein (p.Phe4819Leu). In summary, the available evidence is currently insufficient to determine the role of this variant in disease. Therefore, it has been classified as a Variant of Uncertain Significance. Advanced modeling of protein sequence and biophysical properties (such as structural, functional, and spatial information, amino acid conservation, physicochemical variation, residue mobility, and thermodynamic stability) performed at Invitae indicates that this missense variant is not expected to disrupt KMT2D protein function. ClinVar contains an entry for this variant (Variation ID: 1423760). This variant has not been reported in the literature in individuals affected with KMT2D-related conditions. This variant is not present in population databases (gnomAD no frequency).